The following is an entry in ClinVar:

ClinVar aggregate classification (germline): Uncertain significance (1 of 4 stars; one submission).

Allele frequency attached by ClinVar (database versions not stated): TOPMed below 0.00001; gnomAD 0.00001.
gnomAD v4.1: 7 of 1,613,486 alleles (0.00043%); highest among the groups gnomAD compares: African/African-American, 0.004%; no homozygotes.

Submission:

Labcorp Genetics (formerly Invitae), Labcorp
Classification: Uncertain significance. Last evaluated: 2022-01-26. Review status: criteria provided, single submitter. Criteria: Invitae Variant Classification Sherloc (09022015). Collection method: clinical testing. Allele origin: germline.
Comment: This sequence change replaces glutamine, which is neutral and polar, with arginine, which is basic and polar, at codon 463 of the FERMT1 protein (p.Gln463Arg). This variant is not present in population databases (gnomAD no frequency). This variant has not been reported in the literature in individuals affected with FERMT1-related conditions. Algorithms developed to predict the effect of missense changes on protein structure and function output the following: SIFT: "Tolerated"; PolyPhen-2: "Benign"; Align-GVGD: "Class C0". The arginine amino acid residue is found in multiple mammalian species, which suggests that this missense change does not adversely affect protein function. In summary, the available evidence is currently insufficient to determine the role of this variant in disease. Therefore, it has been classified as a Variant of Uncertain Significance.

NM_017671.5(FERMT1):c.1388A>G (p.Gln463Arg)

Gene: FERMT1 (FERM domain containing kindlin 1; minus strand). Cytogenetic location: 20p12.3.
Variant type: single nucleotide variant.
Coding change: c.1388A>G on transcript NM_017671.5 (MANE Select); coding-DNA position 1388, A replaced by G.
Protein change: p.Gln463Arg; replaces glutamine 463 with arginine.
Molecular consequence: missense variant.
Genome position (GRCh38, 1-based): chr20:6,085,271, T>C on the plus strand (A>G on the coding strand, the complement: FERMT1 is on the minus strand). VCF-style: chr20-6085271-T-C. GRCh37 (hg19) VCF-style: chr20-6065918-T-C.
Other names: short protein forms Q463R.
Identifiers: ClinVar variation 1384845 (VCV001384845.5), dbSNP rs1240269135, ClinGen allele CA408179291.
Genomic context (GRCh38, chr20:6,085,271, plus strand): 5'-TGGTAGGAGCTGTCTGCCATGGTTTTGCCCTTCGATGCCAACATGCAGGCAGCCATCCAT[T>C]GGGCGTATTGATTCTCCTGCAGCAAACAGAAGGTTGAGAAGCAAGCTCAAGTGCAAAGCC-3'
Protein context (NP_060141.3, residues 453-473): LRCDHENQYA[Gln463Arg]WMAACMLASK